The following is an entry in ClinVar:

NM_198994.3(TGM6):c.717G>A (p.Gln239=)

Gene: TGM6 (transglutaminase 6; plus strand). Cytogenetic location: 20p13.
Variant type: single nucleotide variant.
Coding change: c.717G>A on transcript NM_198994.3 (MANE Select); coding-DNA position 717, G replaced by A.
Protein change: p.Gln239=; no amino-acid change (glutamine 239 retained).
Molecular consequence: synonymous variant.
Genome position (GRCh38, 1-based): chr20:2,399,605, G>A. VCF-style: chr20-2399605-G-A. GRCh37 (hg19) VCF-style: chr20-2380251-G-A.
Other names: c.717G>A, p.Gln239= (NM_001254734.2).
Identifiers: ClinVar variation 337908 (VCV000337908.5), dbSNP rs201506281, ClinGen allele CA9731792.
Genomic context (GRCh38, chr20:2,399,605, plus strand): 5'-GCCCTCCTCTGCCCAGGTGAACAGCAACAACGACCGAGGTGTGGTGCAAGGACAGTGGCA[G>A]GGCAAGTACGGCGGCGGCACCAGCCCGCTGCACTGGCGCGGCAGCGTGGCCATTCTGCAG-3'
Protein context (NP_945345.2, residues 229-249): NDRGVVQGQW[Gln239=]GKYGGGTSPL

ClinVar aggregate classification (germline): Likely benign (1 of 4 stars; one submission).

Conditions:
Spinocerebellar ataxia type 35. Identifiers: Orphanet 276193, MedGen C3888031, MONDO:0013485, OMIM 613908.

Allele frequency attached by ClinVar (database versions not stated): gnomAD 0.00002 and 0.00005; gnomAD exomes 0.00006 and 0.00014; TOPMed 0.00011; ExAC 0.00014; 1000 Genomes Project 30x 0.00031; 1000 Genomes Project 0.00040.
gnomAD v4.1: 90 of 1,613,544 alleles (0.0056%); highest among the groups gnomAD compares: East Asian, 0.15%; no homozygotes.

Submission:

Illumina Laboratory Services, Illumina
Classification: Likely benign for Spinocerebellar ataxia type 35. Last evaluated: 2018-01-13. Review status: criteria provided, single submitter. Criteria: ICSL Variant Classification Criteria 13 December 2019. Collection method: clinical testing. Allele origin: germline.
Comment: This variant was observed in the ICSL laboratory as part of a predisposition screen in an ostensibly healthy population. It had not been previously curated by ICSL or reported in the Human Gene Mutation Database (HGMD: prior to June 1st, 2018), and was therefore a candidate for classification through an automated scoring system. Utilizing variant allele frequency, disease prevalence and penetrance estimates, and inheritance mode, an automated score was calculated to assess if this variant is too frequent to cause the disease. Based on the score and internal cut-off values, a variant classified as likely benign is not then subjected to further curation. The score for this variant resulted in a classification of likely benign for this disease.